The following is an entry in ClinVar:

ClinVar aggregate classification (germline): Uncertain significance (1 of 4 stars; one submission).

Submission:

CeGaT Center for Human Genetics Tuebingen
Classification: Uncertain significance. Last evaluated: 2025-12-01. Review status: criteria provided, single submitter. Criteria: CeGaT Center For Human Genetics Tuebingen Variant Classification Criteria Version 2. Collection method: clinical testing. Allele origin: germline. Affected: yes. Observed: 1 variant allele.
Comment: PIK3R1: PM2, BP4

NM_181523.3(PIK3R1):c.917-1472T>C

Gene: PIK3R1 (phosphoinositide-3-kinase regulatory subunit 1; plus strand). Cytogenetic location: 5q13.1.
Variant type: single nucleotide variant.
Coding change: c.917-1472T>C on transcript NM_181523.3 (MANE Select); 1472 bases into the intron before coding-DNA position 917, T replaced by C.
Molecular consequence: intron variant. On other transcripts: missense variant (1).
Genome position (GRCh38, 1-based): chr5:68,290,787, T>C. VCF-style: chr5-68290787-T-C. GRCh37 (hg19) VCF-style: chr5-67586615-T-C.
Other names: c.59T>C, p.Ile20Thr (NM_181504.4); c.17-1472T>C (NM_181524.2); short protein forms I20T.
Identifiers: ClinVar variation 4535417 (VCV004535417.6).